The following is an entry in ClinVar:

ClinVar aggregate classification (germline): Likely benign (1 of 4 stars; one submission).

Allele frequency attached by ClinVar (database versions not stated): gnomAD exomes 0.00002; gnomAD 0.00003; ExAC 0.00004; TOPMed 0.00004; ESP Exome Variant Server 0.00008.
gnomAD v4.1: 42 of 1,613,914 alleles (0.0026%); highest among the groups gnomAD compares: Admixed American, 0.005%; no homozygotes.

Submission:

CeGaT Center for Human Genetics Tuebingen
Classification: Likely benign. Last evaluated: 2022-06-01. Review status: criteria provided, single submitter. Criteria: CeGaT Center For Human Genetics Tuebingen Variant Classification Criteria Version 2. Collection method: clinical testing. Allele origin: germline. Affected: yes. Observed: 1 variant allele.
Comment: SPTBN1: BP4, BP7

NM_003128.3(SPTBN1):c.1749G>A (p.Arg583=)

Gene: SPTBN1 (spectrin beta, non-erythrocytic 1; plus strand). Cytogenetic location: 2p16.2.
Variant type: single nucleotide variant.
Coding change: c.1749G>A on transcript NM_003128.3 (MANE Select); coding-DNA position 1749, G replaced by A.
Protein change: p.Arg583=; no amino-acid change (arginine 583 retained).
Molecular consequence: synonymous variant.
Genome position (GRCh38, 1-based): chr2:54,628,201, G>A. VCF-style: chr2-54628201-G-A. GRCh37 (hg19) VCF-style: chr2-54855338-G-A.
Other names: c.1710G>A, p.Arg570= (NM_178313.3).
Identifiers: ClinVar variation 2650920 (VCV002650920.24), dbSNP rs372321379, ClinGen allele CA1660467.